The following is an entry in ClinVar:

NM_005121.3(MED13):c.2703T>C (p.Tyr901=)

Gene: MED13 (mediator complex subunit 13; minus strand). Cytogenetic location: 17q23.2.
Variant type: single nucleotide variant.
Coding change: c.2703T>C on transcript NM_005121.3 (MANE Select); coding-DNA position 2703, T replaced by C.
Protein change: p.Tyr901=; no amino-acid change (tyrosine 901 retained).
Molecular consequence: synonymous variant.
Genome position (GRCh38, 1-based): chr17:61,984,356, A>G on the plus strand (T>C on the coding strand, the complement: MED13 is on the minus strand). VCF-style: chr17-61984356-A-G. GRCh37 (hg19) VCF-style: chr17-60061717-A-G.
Identifiers: ClinVar variation 739466 (VCV000739466.6), dbSNP rs202045581, ClinGen allele CA8692767.
Genomic context (GRCh38, chr17:61,984,356, plus strand): 5'-TTTTAGAGGTGCAAACATGGAACATCCCACTAGAATTTGACAATTTTCAGGCTTATAGAC[A>G]TAAGAAAAATCCTACAATATAAAGATGGTAGGTTTTCAGTATCTTATCTTCTAGGAGGAA-3'
Protein context (NP_005112.2, residues 891-911): PKPSEIKDFS[Tyr901=]VYKPENCQIL

ClinVar aggregate classification (germline): Likely benign. Review status: criteria provided, multiple submitters, no conflicts (2 of 4 stars). 2 submissions from 2 submitters: Likely benign (2). Last evaluated 2026-04-01.

Allele frequency attached by ClinVar (database versions not stated): gnomAD exomes 0.00005 and 0.00012; ExAC 0.00013; gnomAD 0.00043 and 0.00044; TOPMed 0.00051; ESP Exome Variant Server 0.00068; 1000 Genomes Project 0.00120; 1000 Genomes Project 30x 0.00141.
gnomAD v4.1: 140 of 1,562,010 alleles (0.009%); highest among the groups gnomAD compares: African/African-American, 0.18%; no homozygotes.

Submissions (2):

CeGaT Center for Human Genetics Tuebingen
Classification: Likely benign. Last evaluated: 2026-04-01. Review status: criteria provided, single submitter. Criteria: CeGaT Center For Human Genetics Tuebingen Variant Classification Criteria Version 2. Collection method: clinical testing. Allele origin: germline. Affected: yes. Observed: 1 variant allele.
Comment: MED13: BP4, BP7, BS1

Labcorp Genetics (formerly Invitae), Labcorp
Classification: Likely benign. Last evaluated: 2019-12-31. Review status: criteria provided, single submitter. Criteria: Invitae Variant Classification Sherloc (09022015). Collection method: clinical testing. Allele origin: germline.